The following is an entry in ClinVar:

ClinVar aggregate classification (germline): Uncertain significance (1 of 4 stars; one submission).

Conditions:
Inborn genetic diseases. Identifiers: MedGen C0950123, MeSH D030342.
Juvenile nephropathic cystinosis. Also called: Intermediate Cystinosis; CYSTINOSIS, LATE-ONSET JUVENILE OR ADOLESCENT NEPHROPATHIC TYPE; Later-Onset (Juvenile) Cystinosis. Identifiers: Orphanet 213, Orphanet 411634, MedGen C0268626, MONDO:0009066, OMIM 219900.
Ocular cystinosis. Also called: Non-Nephropathic Cystinosis; Non-Nephropathic (Ocular) Cystinosis. Identifiers: Orphanet 213, Orphanet 411641, MedGen C2931013, MONDO:0009064, OMIM 219750.

Allele frequency attached by ClinVar (database versions not stated): gnomAD exomes below 0.00001.
gnomAD v4.1: 1 of 1,614,174 alleles (0.000062%); highest among the groups gnomAD compares: Non-Finnish European, 0.000085%; no homozygotes.

Submission:

Labcorp Genetics (formerly Invitae), Labcorp
Classification: Uncertain significance for Inborn genetic diseases; Ocular cystinosis; Juvenile nephropathic cystinosis. Last evaluated: 2022-08-02. Review status: criteria provided, single submitter. Criteria: Invitae Variant Classification Sherloc (09022015). Collection method: clinical testing. Allele origin: germline.
Comment: In summary, the available evidence is currently insufficient to determine the role of this variant in disease. Therefore, it has been classified as a Variant of Uncertain Significance. Advanced modeling of protein sequence and biophysical properties (such as structural, functional, and spatial information, amino acid conservation, physicochemical variation, residue mobility, and thermodynamic stability) performed at Invitae indicates that this missense variant is not expected to disrupt CTNS protein function. This variant has not been reported in the literature in individuals affected with CTNS-related conditions. This variant is not present in population databases (gnomAD no frequency). This sequence change replaces proline, which is neutral and non-polar, with serine, which is neutral and polar, at codon 30 of the CTNS protein (p.Pro30Ser).

NM_004937.3(CTNS):c.88C>T (p.Pro30Ser)

Gene: CTNS (cystinosin, lysosomal cystine transporter; plus strand). Cytogenetic location: 17p13.2.
Variant type: single nucleotide variant.
Coding change: c.88C>T on transcript NM_004937.3 (MANE Select); coding-DNA position 88, C replaced by T.
Protein change: p.Pro30Ser; replaces proline 30 with serine.
Molecular consequence: missense variant. On other transcripts: 5 prime UTR variant (3), intron variant (1).
Genome position (GRCh38, 1-based): chr17:3,647,470, C>T. VCF-style: chr17-3647470-C-T. GRCh37 (hg19) VCF-style: chr17-3550764-C-T.
Other names: c.88C>T, p.Pro30Ser (NM_001031681.3, NM_001374492.1); c.-269C>T (NM_001374493.1, NM_001374496.1); c.-354C>T (NM_001374494.1); c.-217+7203C>T (NM_001374495.1); short protein forms P30S.
Identifiers: ClinVar variation 2021186 (VCV002021186.4), dbSNP rs2150904636, ClinGen allele CA397687032.